The following is an entry in ClinVar:

NM_006302.3(MOGS):c.2394G>A (p.Gln798=)

Gene: MOGS (mannosyl-oligosaccharide glucosidase; minus strand). Cytogenetic location: 2p13.1.
Variant type: single nucleotide variant.
Coding change: c.2394G>A on transcript NM_006302.3 (MANE Select); coding-DNA position 2394, G replaced by A.
Protein change: p.Gln798=; no amino-acid change (glutamine 798 retained).
Molecular consequence: synonymous variant.
Genome position (GRCh38, 1-based): chr2:74,461,395, C>T on the plus strand (G>A on the coding strand, the complement: MOGS is on the minus strand). VCF-style: chr2-74461395-C-T. GRCh37 (hg19) VCF-style: chr2-74688522-C-T.
Other names: c.2076G>A, p.Gln692= (NM_001146158.2).
Identifiers: ClinVar variation 3054660 (VCV003054660.2), dbSNP rs1432480854, ClinGen allele CA427033624.

ClinVar aggregate classification (germline): Likely benign (0 of 4 stars; one submission).

Conditions:
MOGS-related disorder. Also called: MOGS-related condition.

Allele frequency attached by ClinVar (database versions not stated): TOPMed below 0.00001.
gnomAD v4.1: 1 of 1,614,214 alleles (0.000062%); highest among the groups gnomAD compares: African/African-American, 0.0013%; no homozygotes.

Submission:

PreventionGenetics, part of Exact Sciences
Classification: Likely benign for MOGS-related condition. Last evaluated: 2020-04-20. Review status: no assertion criteria provided. Collection method: clinical testing. Allele origin: germline.
Comment: This variant is classified as likely benign based on ACMG/AMP sequence variant interpretation guidelines (Richards et al. 2015 PMID: 25741868, with internal and published modifications).